The following is an entry in ClinVar:

NM_002386.4(MC1R):c.164A>C (p.Glu55Ala)

Gene: MC1R (melanocortin 1 receptor; plus strand). Cytogenetic location: 16q24.3.
Variant type: single nucleotide variant.
Coding change: c.164A>C on transcript NM_002386.4 (MANE Select); coding-DNA position 164, A replaced by C.
Protein change: p.Glu55Ala; replaces glutamic acid 55 with alanine.
Molecular consequence: missense variant.
Genome position (GRCh38, 1-based): chr16:89,919,422, A>C. VCF-style: chr16-89919422-A-C. GRCh37 (hg19) VCF-style: chr16-89985830-A-C.
Other names: short protein forms E55A.
Identifiers: ClinVar variation 3543949 (VCV003543949.1).

ClinVar aggregate classification (germline): Uncertain significance (1 of 4 stars; one submission).

gnomAD v4.1: 19 of 1,613,198 alleles (0.0012%); highest among the groups gnomAD compares: South Asian, 0.019%; no homozygotes.

Submission:

Ambry Genetics
Classification: Uncertain significance. Last evaluated: 2024-10-02. Review status: criteria provided, single submitter. Criteria: Ambry Variant Classification Scheme 2023. Collection method: clinical testing. Allele origin: germline.
Comment: The p.E55A variant (also known as c.164A>C), located in coding exon 1 of the MC1R gene, results from an A to C substitution at nucleotide position 164. The glutamic acid at codon 55 is replaced by alanine, an amino acid with dissimilar properties. This amino acid position is conserved. In addition, the in silico prediction for this alteration is inconclusive. Based on the available evidence, the clinical significance of this variant remains unclear.